The following is an entry in ClinVar:

ClinVar aggregate classification (germline): Uncertain significance (1 of 4 stars; one submission).

Conditions:
Charcot-Marie-Tooth disease axonal type 2O. Also called: CHARCOT-MARIE-TOOTH NEUROPATHY, AXONAL, TYPE 2O; CHARCOT-MARIE-TOOTH DISEASE, AXONAL, AUTOSOMAL DOMINANT, TYPE 2O; Charcot-Marie-Tooth Neuropathy Type 2O; Charcot-Marie-Tooth disease, axonal, type 20. Identifiers: Orphanet 284232, MedGen C3280220, MONDO:0013644, OMIM 614228.

Allele frequency attached by ClinVar (database versions not stated): gnomAD exomes below 0.00001.
gnomAD v4.1: 2 of 1,614,144 alleles (0.00012%); highest among the groups gnomAD compares: Non-Finnish European, 0.00017%; no homozygotes.

Submission:

Labcorp Genetics (formerly Invitae), Labcorp
Classification: Uncertain significance for Charcot-Marie-Tooth disease axonal type 2O. Last evaluated: 2026-01-05. Review status: criteria provided, single submitter. Criteria: Invitae Variant Classification Sherloc (09022015). Collection method: clinical testing. Allele origin: germline.
Comment: This sequence change replaces arginine, which is basic and polar, with histidine, which is basic and polar, at codon 1411 of the DYNC1H1 protein (p.Arg1411His). This variant is not present in population databases (gnomAD no frequency). This variant has not been reported in the literature in individuals affected with DYNC1H1-related conditions. ClinVar contains an entry for this variant (Variation ID: 2729699). Invitae Evidence Modeling of protein sequence and biophysical properties (such as structural, functional, and spatial information, amino acid conservation, physicochemical variation, residue mobility, and thermodynamic stability) indicates that this missense variant is expected to disrupt DYNC1H1 protein function with a positive predictive value of 95%. In summary, the available evidence is currently insufficient to determine the role of this variant in disease. Therefore, it has been classified as a Variant of Uncertain Significance.

NM_001376.5(DYNC1H1):c.4232G>A (p.Arg1411His)

Gene: DYNC1H1 (dynein cytoplasmic 1 heavy chain 1; plus strand). Cytogenetic location: 14q32.31.
Variant type: single nucleotide variant.
Coding change: c.4232G>A on transcript NM_001376.5 (MANE Select); coding-DNA position 4232, G replaced by A.
Protein change: p.Arg1411His; replaces arginine 1411 with histidine.
Molecular consequence: missense variant.
Genome position (GRCh38, 1-based): chr14:102,001,191, G>A. VCF-style: chr14-102001191-G-A. GRCh37 (hg19) VCF-style: chr14-102467528-G-A.
Other names: short protein forms R1411H.
Identifiers: ClinVar variation 2729699 (VCV002729699.3), dbSNP rs2503730112, ClinGen allele CA391040159.